The following is an entry in ClinVar:

ClinVar aggregate classification (germline): Benign/Likely benign. Review status: criteria provided, multiple submitters, no conflicts (2 of 4 stars). 2 submissions from 2 submitters: Benign (1); Likely benign (1). Last evaluated 2026-04-01.

Allele frequency attached by ClinVar (database versions not stated): 1000 Genomes Project 30x 0.00265; gnomAD 0.00482 and 0.00503; ExAC 0.00484; gnomAD exomes 0.00510 and 0.00656; 1000 Genomes Project 0.00280; TOPMed 0.00400; ESP Exome Variant Server 0.00415.
gnomAD v4.1: 10,240 of 1,613,734 alleles (0.63%); highest among the groups gnomAD compares: Non-Finnish European, 0.72%; 42 homozygotes.

Submissions (2):

CeGaT Center for Human Genetics Tuebingen
Classification: Likely benign. Last evaluated: 2026-04-01. Review status: criteria provided, single submitter. Criteria: CeGaT Center For Human Genetics Tuebingen Variant Classification Criteria Version 2. Collection method: clinical testing. Allele origin: germline. Affected: yes. Observed: 8 variant alleles.
Comment: SF3B1: BP4, BP7, BS2

Labcorp Genetics (formerly Invitae), Labcorp
Classification: Benign. Last evaluated: 2018-08-08. Review status: criteria provided, single submitter. Criteria: Invitae Variant Classification Sherloc (09022015). Collection method: clinical testing. Allele origin: germline.

NM_012433.4(SF3B1):c.162C>T (p.Tyr54=)

Gene: SF3B1 (splicing factor 3b subunit 1; minus strand). Cytogenetic location: 2q33.1.
Variant type: single nucleotide variant.
Coding change: c.162C>T on transcript NM_012433.4 (MANE Select); coding-DNA position 162, C replaced by T.
Protein change: p.Tyr54=; no amino-acid change (tyrosine 54 retained).
Molecular consequence: synonymous variant.
Genome position (GRCh38, 1-based): chr2:197,423,841, G>A on the plus strand (C>T on the coding strand, the complement: SF3B1 is on the minus strand). VCF-style: chr2-197423841-G-A. GRCh37 (hg19) VCF-style: chr2-198288565-G-A.
Other names: c.162C>T, p.Tyr54= (NM_001005526.2, NM_001308824.1).
Identifiers: ClinVar variation 771845 (VCV000771845.27), dbSNP rs148811717, ClinGen allele CA2043020.